The following is an entry in ClinVar:

ClinVar aggregate classification (germline): Likely benign (1 of 4 stars; one submission).

Conditions:
Malignant hyperthermia, susceptibility to, 1 (MHS1). Also called: Anesthesia related hyperthermia; Malignant hyperpyrexia; Fulminating hyperpyrexia; Pharmacogenic myopathy; RYR1-Related Malignant Hyperthermia Susceptibility; Malignant hyperthermia suceptibility 1. Identifiers: Orphanet 423, MedGen C2930980, MONDO:0007783, OMIM 145600.

Allele frequency attached by ClinVar (database versions not stated): gnomAD 0.00001.

Submission:

All of Us Research Program, National Institutes of Health
Classification: Likely benign for Malignant hyperthermia, susceptibility to, 1. Last evaluated: 2023-09-17. Review status: criteria provided, single submitter. Criteria: ACMG Guidelines, 2015. Collection method: clinical testing. Allele origin: germline. Inheritance: Autosomal dominant inheritance. Observed: 1 variant allele, 1 heterozygote.
Comment: This study involves interpretation of variants in research participants for the purpose of population health screening. Participant phenotype was not available at the time of variant classification. Additional details can be found in publication PMID: 35346344, PMCID: PMC8962531

NM_000540.3(RYR1):c.10456-8C>T

Gene: RYR1 (ryanodine receptor 1; plus strand). Cytogenetic location: 19q13.2.
Variant type: single nucleotide variant.
Coding change: c.10456-8C>T on transcript NM_000540.3 (MANE Select); 8 bases into the intron before coding-DNA position 10456, C replaced by T.
Molecular consequence: intron variant.
Genome position (GRCh38, 1-based): chr19:38,525,324, C>T. VCF-style: chr19-38525324-C-T. GRCh37 (hg19) VCF-style: chr19-39015964-C-T.
Other names: c.10441-8C>T (NM_001042723.2).
Identifiers: ClinVar variation 3073461 (VCV003073461.1), dbSNP rs1394365998, ClinGen allele CA079866.
Genomic context (GRCh38, chr19:38,525,324, plus strand): 5'-TGGCCGCGGGTTGGGGCTGAGGCATGGGATTGGGGCTTGGGCTGGTGCTGAGCCCTGTGT[C>T]CCCACAGTCCGGTGGCTCGGACCAGGAACGCACCAAGAAGAAGCGCCGGGGGGACCGGTA-3'